The following is an entry in ClinVar:

NM_000059.4(BRCA2):c.860T>G (p.Met287Arg)

Gene: BRCA2 (BRCA2 DNA repair associated; plus strand). Cytogenetic location: 13q13.1.
Variant type: single nucleotide variant.
Coding change: c.860T>G on transcript NM_000059.4 (MANE Select); coding-DNA position 860, T replaced by G.
Protein change: p.Met287Arg; replaces methionine 287 with arginine.
Molecular consequence: missense variant. On other transcripts: non-coding transcript variant (1), intron variant (1).
Genome position (GRCh38, 1-based): chr13:32,332,338, T>G. VCF-style: chr13-32332338-T-G. GRCh37 (hg19) VCF-style: chr13-32906475-T-G.
Other names: c.860T>G, p.Met287Arg (NM_001406719.1, NM_001406720.1, NM_001406721.1 and 1 more transcripts); c.424+1308T>G (NM_001406722.1); short protein forms M287R.
Identifiers: ClinVar variation 4802268 (VCV004802268.1).

ClinVar aggregate classification (germline): Uncertain significance (1 of 4 stars; one submission).

Conditions:
Hereditary breast ovarian cancer syndrome. Also called: Hereditary breast and ovarian cancer syndrome (HBOC); Hereditary breast and ovarian cancer; Breast and ovarian cancer; Hereditary breast and/or ovarian cancer syndrome; BRCA1- and BRCA2-Associated Hereditary Breast and Ovarian Cancer; Hereditary breast and ovarian cancer syndrome. Identifiers: Orphanet 145, MedGen C0677776, MeSH D061325, MONDO:0003582. Disease mechanism: loss of function.

Submission:

Labcorp Genetics (formerly Invitae), Labcorp
Classification: Uncertain significance for Hereditary breast ovarian cancer syndrome. Last evaluated: 2025-05-05. Review status: criteria provided, single submitter. Criteria: Invitae Variant Classification Sherloc (09022015). Collection method: clinical testing. Allele origin: germline.
Comment: This sequence change replaces methionine, which is neutral and non-polar, with arginine, which is basic and polar, at codon 287 of the BRCA2 protein (p.Met287Arg). This variant is not present in population databases (gnomAD no frequency). This variant has not been reported in the literature in individuals affected with BRCA2-related conditions. Invitae Evidence Modeling of protein sequence and biophysical properties (such as structural, functional, and spatial information, amino acid conservation, physicochemical variation, residue mobility, and thermodynamic stability) indicates that this missense variant is not expected to disrupt BRCA2 protein function with a negative predictive value of 95%. In summary, the available evidence is currently insufficient to determine the role of this variant in disease. Therefore, it has been classified as a Variant of Uncertain Significance.